The following is an entry in ClinVar:

NM_005585.5(SMAD6):c.908C>T (p.Thr303Met)

Gene: SMAD6 (SMAD family member 6; plus strand). Cytogenetic location: 15q22.31.
Variant type: single nucleotide variant.
Coding change: c.908C>T on transcript NM_005585.5 (MANE Select); coding-DNA position 908, C replaced by T.
Protein change: p.Thr303Met; replaces threonine 303 with methionine.
Molecular consequence: missense variant. On other transcripts: non-coding transcript variant (1).
Genome position (GRCh38, 1-based): chr15:66,716,454, C>T. VCF-style: chr15-66716454-C-T. GRCh37 (hg19) VCF-style: chr15-67008792-C-T.
Other names: short protein forms T303M.
Identifiers: ClinVar variation 1357098 (VCV001357098.11), dbSNP rs146363463, ClinGen allele CA7626644.

ClinVar aggregate classification (germline): Uncertain significance. Review status: criteria provided, multiple submitters, no conflicts (2 of 4 stars). 3 submissions from 3 submitters: Uncertain significance (3). Last evaluated 2025-10-20.

Conditions:
Aortic valve disease 2 (AOVD2). Identifiers: MedGen C3542024, MONDO:0013902, OMIM 614823.
Inborn genetic diseases. Identifiers: MedGen C0950123, MeSH D030342.

Allele frequency attached by ClinVar (database versions not stated): 1000 Genomes Project 30x 0.00016; gnomAD exomes 0.00001 and 0.00003; TOPMed 0.00008; gnomAD 0.00011; 1000 Genomes Project 0.00020; ExAC 0.00005; ESP Exome Variant Server 0.00015.
gnomAD v4.1: 32 of 1,613,858 alleles (0.002%); highest among the groups gnomAD compares: African/African-American, 0.025%; no homozygotes.

Submissions (3):

Labcorp Genetics (formerly Invitae), Labcorp
Classification: Uncertain significance for Aortic valve disease 2. Last evaluated: 2025-10-20. Review status: criteria provided, single submitter. Criteria: Invitae Variant Classification Sherloc (09022015). Collection method: clinical testing. Allele origin: germline.
Comment: This sequence change replaces threonine, which is neutral and polar, with methionine, which is neutral and non-polar, at codon 303 of the SMAD6 protein (p.Thr303Met). This variant is present in population databases (rs146363463, gnomAD 0.02%). This variant has not been reported in the literature in individuals affected with SMAD6-related conditions. ClinVar contains an entry for this variant (Variation ID: 1357098). Invitae Evidence Modeling of protein sequence and biophysical properties (such as structural, functional, and spatial information, amino acid conservation, physicochemical variation, residue mobility, and thermodynamic stability) indicates that this missense variant is not expected to disrupt SMAD6 protein function with a negative predictive value of 80%. In summary, the available evidence is currently insufficient to determine the role of this variant in disease. Therefore, it has been classified as a Variant of Uncertain Significance.

Women's Health and Genetics/Laboratory Corporation of America, LabCorp
Classification: Uncertain significance. Last evaluated: 2023-12-17. Review status: criteria provided, single submitter. Criteria: LabCorp Variant Classification Summary - May 2015. Collection method: clinical testing. Allele origin: germline.

Ambry Genetics
Classification: Uncertain significance for Inborn genetic diseases. Last evaluated: 2023-10-26. Review status: criteria provided, single submitter. Criteria: Ambry Variant Classification Scheme 2023. Collection method: clinical testing. Allele origin: germline.
Comment: The p.T303M variant (also known as c.908C>T), located in coding exon 3 of the SMAD6 gene, results from a C to T substitution at nucleotide position 908. The threonine at codon 303 is replaced by methionine, an amino acid with similar properties. This amino acid position is conserved. In addition, the in silico prediction for this alteration is inconclusive. Since supporting evidence is limited at this time, the clinical significance of this alteration remains unclear.